The following is an entry in ClinVar:

NM_024899.4(CEP76):c.515G>A (p.Ser172Asn)

Genes: PSMG2 (proteasome assembly chaperone 2; plus strand), CEP76 (centrosomal protein 76; minus strand). Cytogenetic location: 18p11.21.
Variant type: single nucleotide variant.
Coding change: c.515G>A on transcript NM_024899.4 (MANE Select); coding-DNA position 515, G replaced by A.
Protein change: p.Ser172Asn; replaces serine 172 with asparagine.
Molecular consequence: missense variant. On other transcripts: non-coding transcript variant (1), intron variant (2).
Genome position (GRCh38, 1-based): chr18:12,698,984, C>T on the plus strand (G>A on the coding strand, the complement: CEP76 is on the minus strand). VCF-style: chr18-12698984-C-T. GRCh37 (hg19) VCF-style: chr18-12698983-C-T.
Other names: c.-36-7566C>T (NM_147163.2); c.295+846G>A (NM_001271989.2); short protein forms S172N.
Identifiers: ClinVar variation 3060773 (VCV003060773.2), dbSNP rs79615555, ClinGen allele CA8898082.
Genomic context (GRCh38, chr18:12,698,984, plus strand): 5'-ATAAAACATAACAAAGATTTACTCAATTAAATGACAATTTATTACTGTTTCTTACCCAAG[C>T]TTTCTCTGTGTACTTCAAGTAAAAAGCCATCATGAAAATCTGGTTCACAGGCACATGGAA-3'
Protein context (NP_079175.2, residues 162-182): DGFLLEVHRE[Ser172Asn]LGDGTRMADS

ClinVar aggregate classification (germline): Benign (0 of 4 stars; one submission).

Conditions:
CEP76-related disorder. Also called: CEP76-related condition.

Allele frequency attached by ClinVar (database versions not stated): TOPMed 0.01481; ESP Exome Variant Server 0.00108; gnomAD 0.00951; 1000 Genomes Project 30x 0.03045; gnomAD exomes 0.00572; ExAC 0.01866; 1000 Genomes Project 0.02975.
gnomAD v4.1: 9,902 of 1,602,340 alleles (0.62%); highest among the groups gnomAD compares: Admixed American, 9.4%; 504 homozygotes.

Submission:

PreventionGenetics, part of Exact Sciences
Classification: Benign for CEP76-related condition. Last evaluated: 2019-03-22. Review status: no assertion criteria provided. Collection method: clinical testing. Allele origin: germline.
Comment: This variant is classified as benign based on ACMG/AMP sequence variant interpretation guidelines (Richards et al. 2015 PMID: 25741868, with internal and published modifications).